The following is an entry in ClinVar:

ClinVar aggregate classification (germline): Likely benign. Review status: criteria provided, multiple submitters, no conflicts (2 of 4 stars). 2 submissions from 2 submitters: Likely benign (2). Last evaluated 2025-04-28.

Conditions:
NMNAT1-related disorder. Also called: NMNAT1-related condition.
Leber congenital amaurosis 9 (LCA9). Also called: LCA9 Leber Congenital Amaurosis; LCA 9; Amaurosis congenita of Leber, type 9. Identifiers: Orphanet 65, MedGen C1837873, MONDO:0012056, OMIM 608553.

Allele frequency attached by ClinVar (database versions not stated): gnomAD 0.00002; gnomAD exomes 0.00002 and 0.00003; TOPMed 0.00002; ExAC 0.00003; ESP Exome Variant Server 0.00008.
gnomAD v4.1: 38 of 1,597,080 alleles (0.0024%); highest among the groups gnomAD compares: East Asian, 0.022%; no homozygotes.

Submissions (2):

Labcorp Genetics (formerly Invitae), Labcorp
Classification: Likely benign for Leber congenital amaurosis 9. Last evaluated: 2025-04-28. Review status: criteria provided, single submitter. Criteria: Invitae Variant Classification Sherloc (09022015). Collection method: clinical testing. Allele origin: germline.

PreventionGenetics, part of Exact Sciences
Classification: Likely benign for NMNAT1-related condition. Last evaluated: 2024-10-31. Review status: criteria provided, single submitter. Criteria: ACMG Guidelines, 2015. Collection method: clinical testing. Allele origin: germline.
Comment: This variant is classified as likely benign based on ACMG/AMP sequence variant interpretation guidelines (Richards et al. 2015 PMID: 25741868, with internal and published modifications).

NM_022787.4(NMNAT1):c.12C>T (p.Ser4=)

Gene: NMNAT1 (nicotinamide nucleotide adenylyltransferase 1; plus strand). Cytogenetic location: 1p36.22.
Variant type: single nucleotide variant.
Coding change: c.12C>T on transcript NM_022787.4 (MANE Select); coding-DNA position 12, C replaced by T.
Protein change: p.Ser4=; no amino-acid change (serine 4 retained).
Molecular consequence: synonymous variant.
Genome position (GRCh38, 1-based): chr1:9,972,085, C>T. VCF-style: chr1-9972085-C-T. GRCh37 (hg19) VCF-style: chr1-10032143-C-T.
Other names: c.12C>T (NM_022787.3); c.12C>T, p.Ser4= (NM_001297778.1, NM_001297779.2).
Identifiers: ClinVar variation 1147583 (VCV001147583.10), dbSNP rs148490817, ClinGen allele CA579117.
Genomic context (GRCh38, chr1:9,972,085, plus strand): 5'-GGGAGGTGTCACAGTTTTCCATTTAGATCAACAACTTCAAGTTCTTACCATGGAAAATTC[C>T]GAGAAGACTGAAGTGGTTCTCCTTGCTTGTGGTTCATTCAATCCCATCACCAACATGCAC-3'
Protein context (NP_073624.2, residues 1-14): MEN[Ser4=]EKTEVVLLAC